The following is an entry in ClinVar:

NM_000260.4(MYO7A):c.6205A>T (p.Ile2069Phe)

Gene: MYO7A (myosin VIIA; plus strand). Cytogenetic location: 11q13.5.
Variant type: single nucleotide variant.
Coding change: c.6205A>T on transcript NM_000260.4 (MANE Select); coding-DNA position 6205, A replaced by T.
Protein change: p.Ile2069Phe; replaces isoleucine 2069 with phenylalanine.
Molecular consequence: missense variant.
Genome position (GRCh38, 1-based): chr11:77,211,305, A>T. VCF-style: chr11-77211305-A-T. GRCh37 (hg19) VCF-style: chr11-76922350-A-T.
Other names: c.6091A>T, p.Ile2031Phe (NM_001127180.2); c.6058A>T, p.Ile2020Phe (NM_001369365.1); c.6205A>T (NM_000260.3); short protein forms I2069F, I2020F, I2031F.
Identifiers: ClinVar variation 930008 (VCV000930008.8), dbSNP rs1046633522, ClinGen allele CA224827839.

ClinVar aggregate classification (germline): Uncertain significance. Review status: criteria provided, multiple submitters, no conflicts (2 of 4 stars). 4 submissions from 4 submitters: Uncertain significance (4). Last evaluated 2025-06-24.

Conditions:
Inborn genetic diseases. Identifiers: MedGen C0950123, MeSH D030342.

Allele frequency attached by ClinVar (database versions not stated): gnomAD exomes below 0.00001; gnomAD 0.00001; TOPMed 0.00002.
gnomAD v4.1: 3 of 1,583,238 alleles (0.00019%); highest among the groups gnomAD compares: Non-Finnish European, 0.00026%; no homozygotes.

Submissions (4):

Ambry Genetics
Classification: Uncertain significance for Inborn genetic diseases. Last evaluated: 2025-06-24. Review status: criteria provided, single submitter. Criteria: Ambry Variant Classification Scheme 2023. Collection method: clinical testing. Allele origin: germline.

Labcorp Genetics (formerly Invitae), Labcorp
Classification: Uncertain significance. Last evaluated: 2023-11-18. Review status: criteria provided, single submitter. Criteria: Invitae Variant Classification Sherloc (09022015). Collection method: clinical testing. Allele origin: germline.
Comment: This sequence change replaces isoleucine, which is neutral and non-polar, with phenylalanine, which is neutral and non-polar, at codon 2069 of the MYO7A protein (p.Ile2069Phe). This variant is not present in population databases (gnomAD no frequency). This variant has not been reported in the literature in individuals affected with MYO7A-related conditions. ClinVar contains an entry for this variant (Variation ID: 930008). Advanced modeling of protein sequence and biophysical properties (such as structural, functional, and spatial information, amino acid conservation, physicochemical variation, residue mobility, and thermodynamic stability) performed at Invitae indicates that this missense variant is not expected to disrupt MYO7A protein function with a negative predictive value of 95%. In summary, the available evidence is currently insufficient to determine the role of this variant in disease. Therefore, it has been classified as a Variant of Uncertain Significance.

Blueprint Genetics
Classification: Uncertain significance. Last evaluated: 2020-02-20. Review status: criteria provided, single submitter. Criteria: ACMG Guidelines, 2015. Collection method: clinical testing. Allele origin: germline.

Laboratory for Molecular Medicine, Mass General Brigham Personalized Medicine
Classification: Uncertain significance. Last evaluated: 2019-07-24. Review status: criteria provided, single submitter. Criteria: LMM Criteria. Collection method: clinical testing. Allele origin: germline. Observed: 1 variant allele.
Comment: The p.Ile2069Phe variant in MYO7A has not been previously reported in individuals with hearing loss or Usher syndrome, and was absent from large population studies. Computational prediction tools and conservation analysis do not provide strong support for or against an impact to the protein. In summary, the clinical significance of this variant is uncertain. ACMG/AMP Criteria applied: PM2.